The following is an entry in ClinVar:

NM_000465.4(BARD1):c.1967G>T (p.Gly656Val)

Gene: BARD1 (BRCA1 associated RING domain 1; minus strand). Cytogenetic location: 2q35.
Variant type: single nucleotide variant.
Coding change: c.1967G>T on transcript NM_000465.4 (MANE Select); coding-DNA position 1967, G replaced by T.
Protein change: p.Gly656Val; replaces glycine 656 with valine.
Molecular consequence: missense variant. On other transcripts: non-coding transcript variant (3).
Genome position (GRCh38, 1-based): chr2:214,730,445, C>A on the plus strand (G>T on the coding strand, the complement: BARD1 is on the minus strand). VCF-style: chr2-214730445-C-A. GRCh37 (hg19) VCF-style: chr2-215595169-C-A.
Other names: c.1910G>T, p.Gly637Val (NM_001282543.2); c.614G>T, p.Gly205Val (NM_001282545.2); c.557G>T, p.Gly186Val (NM_001282548.2); c.428G>T, p.Gly143Val (NM_001282549.2); short protein forms G656V, G143V, G205V, G637V, G186V.
Identifiers: ClinVar variation 232503 (VCV000232503.20), dbSNP rs572554455, ClinGen allele CA10577773.

ClinVar aggregate classification (germline): Uncertain significance. Review status: criteria provided, multiple submitters, no conflicts (2 of 4 stars). 3 submissions from 3 submitters: Uncertain significance (3). Last evaluated 2023-12-04.

Conditions:
Familial cancer of breast. Also called: BREAST CANCER, FAMILIAL; hereditary breast carcinoma; Hereditary breast cancer. Identifiers: Orphanet 227535, MedGen C0346153, MONDO:0016419, OMIM 114480. Disease mechanism: loss of function.
Hereditary cancer-predisposing syndrome. Also called: Neoplastic Syndromes, Hereditary; Tumor predisposition; Hereditary Cancer Syndrome; Hereditary neoplastic syndrome. Identifiers: Orphanet 140162, MedGen C0027672, MeSH D009386, MONDO:0015356.

Submissions (3):

Color Diagnostics, LLC DBA Color Health
Classification: Uncertain significance for Hereditary cancer-predisposing syndrome. Last evaluated: 2023-12-04. Review status: criteria provided, single submitter. Criteria: ACMG Guidelines, 2015. Collection method: clinical testing. Allele origin: germline.
Comment: This missense variant replaces glycine with valine at codon 656 of the BARD1 protein. Computational prediction suggests that this variant may not impact protein structure and function (internally defined REVEL score threshold <= 0.5, PMID: 27666373). To our knowledge, functional studies have not been reported for this variant. This variant has not been reported in individuals affected with BARD1-related disorders in the literature. This variant has not been identified in the general population by the Genome Aggregation Database (gnomAD). The available evidence is insufficient to determine the role of this variant in disease conclusively. Therefore, this variant is classified as a Variant of Uncertain Significance.

Ambry Genetics
Classification: Uncertain significance for Hereditary cancer-predisposing syndrome. Last evaluated: 2023-08-30. Review status: criteria provided, single submitter. Criteria: Ambry Variant Classification Scheme 2023. Collection method: clinical testing. Allele origin: germline.
Comment: The p.G656V variant (also known as c.1967G>T), located in coding exon 10 of the BARD1 gene, results from a G to T substitution at nucleotide position 1967. The glycine at codon 656 is replaced by valine, an amino acid with dissimilar properties. This amino acid position is highly conserved in available vertebrate species. In addition, this alteration is predicted to be deleterious by in silico analysis. Since supporting evidence is limited at this time, the clinical significance of this alteration remains unclear.

Labcorp Genetics (formerly Invitae), Labcorp
Classification: Uncertain significance for Familial cancer of breast. Last evaluated: 2020-02-12. Review status: criteria provided, single submitter. Criteria: Invitae Variant Classification Sherloc (09022015). Collection method: clinical testing. Allele origin: germline.
Comment: This variant is not present in population databases (ExAC no frequency). This sequence change replaces glycine with valine at codon 656 of the BARD1 protein (p.Gly656Val). The glycine residue is highly conserved and there is a moderate physicochemical difference between glycine and valine. This variant has not been reported in the literature in individuals with BARD1-related conditions. ClinVar contains an entry for this variant (Variation ID: 232503). In summary, the available evidence is currently insufficient to determine the role of this variant in disease. Therefore, it has been classified as a Variant of Uncertain Significance. Algorithms developed to predict the effect of missense changes on protein structure and function (SIFT, PolyPhen-2, Align-GVGD) all suggest that this variant is likely to be disruptive, but these predictions have not been confirmed by published functional studies and their clinical significance is uncertain.